The following is an entry in ClinVar:

NM_000782.5(CYP24A1):c.1039C>T (p.Gln347Ter)

Gene: CYP24A1 (cytochrome P450 family 24 subfamily A member 1; minus strand). Cytogenetic location: 20q13.2.
Variant type: single nucleotide variant.
Coding change: c.1039C>T on transcript NM_000782.5 (MANE Select); coding-DNA position 1039, C replaced by T.
Protein change: p.Gln347Ter; replaces glutamine 347 with a stop codon.
Molecular consequence: nonsense.
Genome position (GRCh38, 1-based): chr20:54,159,075, G>A on the plus strand (C>T on the coding strand, the complement: CYP24A1 is on the minus strand). VCF-style: chr20-54159075-G-A. GRCh37 (hg19) VCF-style: chr20-52775614-G-A.
Other names: c.1039C>T, p.Gln347Ter (NM_001128915.2); short protein forms Q347*.
Identifiers: ClinVar variation 208571 (VCV000208571.10), dbSNP rs777947329, ClinGen allele CA204554.
Genomic context (GRCh38, chr20:54,159,075, plus strand): 5'-GTGGCACCTGATTCTCAGGTAATACACTTTGAATTTCCTTAAGAAGCTTTTGTTGCACTT[G>A]GGGATTACGGGATAAATTGTAGAGAATCCACATTAGACTGTTTGCTGTCTGCAAGCCAAA-3'

ClinVar aggregate classification (germline): Pathogenic/Likely pathogenic. Review status: criteria provided, multiple submitters, no conflicts (2 of 4 stars). 3 submissions from 3 submitters: Pathogenic (2); Likely pathogenic (1). Last evaluated 2026-06-01.

Conditions:
Hypercalcemia, infantile, 1 (HCINF1). Identifiers: Orphanet 300547, MedGen CN031131, MONDO:0020739, OMIM 143880.

Allele frequency attached by ClinVar (database versions not stated): gnomAD exomes below 0.00001 and 0.00003; ExAC 0.00001; gnomAD 0.00001; TOPMed 0.00002.
gnomAD v4.1: 49 of 1,613,828 alleles (0.003%); highest among the groups gnomAD compares: Non-Finnish European, 0.0038%; no homozygotes.

Submissions (3):

CeGaT Center for Human Genetics Tuebingen
Classification: Pathogenic. Last evaluated: 2026-06-01. Review status: criteria provided, single submitter. Criteria: CeGaT Center For Human Genetics Tuebingen Variant Classification Criteria Version 2. Collection method: clinical testing. Allele origin: germline. Affected: yes. Observed: 1 variant allele.
Comment: CYP24A1: PVS1, PM2, PP4

Molecular Diagnostics Lab, Nemours Children's Health, Delaware
Classification: Pathogenic. Last evaluated: 2015-03-13. Review status: criteria provided, single submitter. Criteria: ACMG Guidelines, 2015. Collection method: clinical testing. Allele origin: unknown. Affected: yes. Observed: 1 variant allele.

Laboratory for Molecular Medicine, Mass General Brigham Personalized Medicine
Classification: Likely pathogenic for Idiopathic hypercalcemia of infancy. Last evaluated: 2014-12-18. Review status: criteria provided, single submitter. Criteria: LMM Criteria. Collection method: clinical testing. Allele origin: germline. Inheritance: Autosomal recessive inheritance. Observed: 1 variant allele. Study: CSER-MedSeq.
Comment: The p.Gln347X variant in CYP24A1 has not been previously reported in individuals with disease. It has been identified in 1/67868 Eurpoean chromosomes by the Exome Aggregation Consortium (ExAC). This nonsense variant leads to a premature termination codon at position 347 which is predicted to lead to a truncated or absent protein. Loss-of-function variants in the CYP24A1 gene have been shown to cause autosomal recessive infantile hypercalcemia. In summary, although additional studies are required to fully establish its clinical significance, the p.Gln347X variant in CYP24A1 is likely pathogenic.

Literature cited by the submitters: PubMed 21675912 (cited by Molecular Diagnostics Lab, Nemours Children's Health, Delaware); PubMed 25194629 (cited by Molecular Diagnostics Lab, Nemours Children's Health, Delaware); PubMed 22112808 (cited by Molecular Diagnostics Lab, Nemours Children's Health, Delaware).